The following is an entry in ClinVar:

NR_003051.4(RMRP):n.153G>A

Gene: RMRP (RNA component of mitochondrial RNA processing endoribonuclease; minus strand). Cytogenetic location: 9p13.3.
Variant type: single nucleotide variant.
Genome position: GRCh38 VCF-style: chr9-35657867-C-T. GRCh37 (hg19) VCF-style: chr9-35657864-C-T.
Identifiers: ClinVar variation 2136768 (VCV002136768.2), dbSNP rs1278840803, ClinGen allele CA464450691.

ClinVar aggregate classification (germline): Uncertain significance. Review status: criteria provided, multiple submitters, no conflicts (2 of 4 stars). 2 submissions from 2 submitters: Uncertain significance (2). Last evaluated 2025-10-10.

Conditions:
Anauxetic dysplasia. Identifiers: Orphanet 93347, MedGen C1846796, MONDO:0011773.

Allele frequency attached by ClinVar (database versions not stated): gnomAD 0.00001.
gnomAD v4.1: 2 of 700,348 alleles (0.00029%); highest among the groups gnomAD compares: Admixed American, 0.002%; no homozygotes.

Submissions (2):

Women's Health and Genetics/Laboratory Corporation of America, LabCorp
Classification: Uncertain significance. Last evaluated: 2025-10-10. Review status: criteria provided, single submitter. Criteria: LabCorp Variant Classification Summary - May 2015. Collection method: clinical testing. Allele origin: germline.
Comment: Variant summary: RMRP n.152G>A (also known as NC_000009.11: chr9:g.35657864C>T) alters a nucleotide in the non-coding RNA. The variant allele was found at a frequency of 7.7e-06 in 130484 control chromosomes. The available data on variant occurrences in the general population are insufficient to allow any conclusion about variant significance. n.152G>A has been observed in an individual affected with Cartilage-Hair Hypoplasia (Ip_2015). These report(s) do not provide unequivocal conclusions about association of the variant with Cartilage-Hair Hypoplasia. To our knowledge, no experimental evidence demonstrating an impact on protein function has been reported. The following publication have been ascertained in the context of this evaluation (PMID: 25663137). ClinVar contains an entry for this variant (Variation ID: 2136768). Based on the evidence outlined above, the variant was classified as uncertain significance.

Labcorp Genetics (formerly Invitae), Labcorp
Classification: Uncertain significance for Anauxetic dysplasia. Last evaluated: 2022-09-15. Review status: criteria provided, single submitter. Criteria: Invitae Variant Classification Sherloc (09022015). Collection method: clinical testing. Allele origin: germline.
Comment: This variant occurs in the RMRP gene, which encodes an RNA molecule that does not result in a protein product. This variant is present in population databases (no rsID available, gnomAD 0.004%). This variant has been observed in individual(s) with clinical features of cartilage hair hypoplasia (PMID: 25663137). This variant is also known as 151G>A. Experimental studies and prediction algorithms are not available or were not evaluated, and the functional significance of this variant is currently unknown. In summary, the available evidence is currently insufficient to determine the role of this variant in disease. Therefore, it has been classified as a Variant of Uncertain Significance.

Literature cited by the submitters: PubMed 25663137 (cited by Women's Health and Genetics/Laboratory Corporation of America, LabCorp and Labcorp Genetics (formerly Invitae), Labcorp).